The following is an entry in ClinVar:

ClinVar aggregate classification (germline): Conflicting classifications of pathogenicity. Review status: criteria provided, conflicting classifications (1 of 4 stars). 3 submissions from 3 submitters: Uncertain significance (2); Likely benign (1). Last evaluated 2025-12-22.

Conditions:
Amyotrophic lateral sclerosis type 4 (ALS4). Also called: AMYOTROPHIC LATERAL SCLEROSIS 4, JUVENILE; NEURONOPATHY, DISTAL HEREDITARY MOTOR, WITH PYRAMIDAL FEATURES. Identifiers: Orphanet 357043, MedGen C1865409, MONDO:0011223, OMIM 602433.
Spinocerebellar ataxia, autosomal recessive, with axonal neuropathy 2 (SCAN2). Also called: ATAXIA-OCULOMOTOR APRAXIA 2; Ataxia with Oculomotor Apraxia; Ataxia-ocular apraxia-2; Ataxia with Oculomotor Apraxia Type 2. Identifiers: Orphanet 64753, MedGen C1853761, MONDO:0018996, OMIM 606002.

Allele frequency attached by ClinVar (database versions not stated): ExAC 0.00001; gnomAD 0.00001; TOPMed 0.00002; gnomAD exomes 0.00006.
gnomAD v4.1: 88 of 1,613,902 alleles (0.0055%); highest among the groups gnomAD compares: Non-Finnish European, 0.0073%; no homozygotes.

Submissions (3):

Labcorp Genetics (formerly Invitae), Labcorp
Classification: Uncertain significance for Amyotrophic lateral sclerosis type 4; Spinocerebellar ataxia, autosomal recessive, with axonal neuropathy 2. Last evaluated: 2025-12-22. Review status: criteria provided, single submitter. Criteria: Invitae Variant Classification Sherloc (09022015). Collection method: clinical testing. Allele origin: germline.
Comment: This sequence change falls in intron 24 of the SETX gene. It does not directly change the encoded amino acid sequence of the SETX protein. It affects a nucleotide within the consensus splice site. This variant is present in population databases (rs750883399, gnomAD 0.005%). This variant has not been reported in the literature in individuals affected with SETX-related conditions. ClinVar contains an entry for this variant (Variation ID: 2684373). Variants that disrupt the consensus splice site are a relatively common cause of aberrant splicing (PMID: 17576681, 9536098). Algorithms developed to predict the effect of sequence changes on RNA splicing suggest that this variant is not likely to affect RNA splicing. In summary, the available evidence is currently insufficient to determine the role of this variant in disease. Therefore, it has been classified as a Variant of Uncertain Significance.

CeGaT Center for Human Genetics Tuebingen
Classification: Likely benign. Last evaluated: 2024-10-01. Review status: criteria provided, single submitter. Criteria: CeGaT Center For Human Genetics Tuebingen Variant Classification Criteria Version 2. Collection method: clinical testing. Allele origin: germline. Affected: yes. Observed: 1 variant allele.
Comment: SETX: BP4

Athena Diagnostics
Classification: Uncertain significance. Last evaluated: 2023-02-08. Review status: criteria provided, single submitter. Criteria: Athena Diagnostics Criteria. Collection method: clinical testing. Allele origin: unknown.
Comment: Available data are insufficient to determine the clinical significance of the variant at this time. The frequency of this variant in the general population is uninformative in assessment of its pathogenicity. Computational tools yielded predictions that this variant is unlikely to have an effect on normal RNA splicing.

Literature cited by the submitters: PubMed 17576681 (cited by Labcorp Genetics (formerly Invitae), Labcorp); PubMed 9536098 (cited by Labcorp Genetics (formerly Invitae), Labcorp).

NM_015046.7(SETX):c.7200-3T>C

Genes: SETX (senataxin; minus strand), LOC126860782 (P300/CBP strongly-dependent group 1 enhancer GRCh37_chr9:135144739-135145938; plus strand). Cytogenetic location: 9q34.13.
Variant type: single nucleotide variant.
Coding change: c.7200-3T>C on transcript NM_015046.7 (MANE Select); 3 bases into the intron before coding-DNA position 7200, T replaced by C.
Molecular consequence: intron variant.
Genome position (GRCh38, 1-based): chr9:132,269,705, A>G on the plus strand (T>C on the coding strand, the complement: SETX is on the minus strand). VCF-style: chr9-132269705-A-G. GRCh37 (hg19) VCF-style: chr9-135145092-A-G.
Other names: c.7200-3T>C (NM_001351528.2, NM_001351527.2).
Identifiers: ClinVar variation 2684373 (VCV002684373.18), dbSNP rs750883399, ClinGen allele CA5296461.